The following is an entry in ClinVar:

ClinVar aggregate classification (germline): Uncertain significance (1 of 4 stars; one submission).

Conditions:
Familial adenomatous polyposis 1 (FAP1). Also called: FAMILIAL ADENOMATOUS POLYPOSIS 1, ATTENUATED; POLYPOSIS, ADENOMATOUS INTESTINAL. Identifiers: MedGen C2713442, MONDO:0021056, OMIM 175100. Disease mechanism: loss of function.

Submission:

Labcorp Genetics (formerly Invitae), Labcorp
Classification: Uncertain significance for Familial adenomatous polyposis 1. Last evaluated: 2022-06-28. Review status: criteria provided, single submitter. Criteria: Invitae Variant Classification Sherloc (09022015). Collection method: clinical testing. Allele origin: germline.
Comment: Algorithms developed to predict the effect of missense changes on protein structure and function are either unavailable or do not agree on the potential impact of this missense change (SIFT: "Deleterious"; PolyPhen-2: "Benign"; Align-GVGD: "Class C25"). In summary, the available evidence is currently insufficient to determine the role of this variant in disease. Therefore, it has been classified as a Variant of Uncertain Significance. This variant has not been reported in the literature in individuals affected with APC-related conditions. This sequence change replaces aspartic acid, which is acidic and polar, with alanine, which is neutral and non-polar, at codon 539 of the APC protein (p.Asp539Ala). This variant is not present in population databases (gnomAD no frequency).

NM_000038.6(APC):c.1616A>C (p.Asp539Ala)

Gene: APC (APC regulator of Wnt signaling pathway; plus strand). Cytogenetic location: 5q22.2.
Variant type: single nucleotide variant.
Coding change: c.1616A>C on transcript NM_000038.6 (MANE Select); coding-DNA position 1616, A replaced by C.
Protein change: p.Asp539Ala; replaces aspartic acid 539 with alanine.
Molecular consequence: missense variant.
Genome position (GRCh38, 1-based): chr5:112,827,996, A>C. VCF-style: chr5-112827996-A-C. GRCh37 (hg19) VCF-style: chr5-112163693-A-C.
Other names: c.1616A>C, p.Asp539Ala (NM_001127510.3, NM_001354895.2, NM_001407450.1); c.1562A>C, p.Asp521Ala (NM_001127511.3); c.1670A>C, p.Asp557Ala (NM_001354896.2, NM_001407447.1, NM_001407448.1 and 1 more transcripts); c.1646A>C, p.Asp549Ala (NM_001354897.2); c.1541A>C, p.Asp514Ala (NM_001354898.2); c.1532A>C, p.Asp511Ala (NM_001354899.2); c.1493A>C, p.Asp498Ala (NM_001354900.2); c.1439A>C, p.Asp480Ala (NM_001354901.2, NM_001407453.1); and 11 more; short protein forms D413A, D448A, D155A, D256A, D379A, D438A, D511A, D521A.
Identifiers: ClinVar variation 2011835 (VCV002011835.4), dbSNP rs1432714177, ClinGen allele CA16024835.